The following is an entry in ClinVar:

ClinVar aggregate classification (germline): Conflicting classifications of pathogenicity. Review status: criteria provided, conflicting classifications (1 of 4 stars). 6 submissions from 6 submitters: Uncertain significance (5); Benign (1). Last evaluated 2026-02-01.

Conditions:
Bethlem myopathy 1A. Also called: MYOPATHY, BENIGN CONGENITAL, WITH CONTRACTURES; Bethlem myopathy 1; Bethlem Muscular Dystrophy. Identifiers: Orphanet 610, MedGen CN029274, MONDO:0024530, OMIM 158810.
Collagen 6-related myopathy. Identifiers: MedGen CN117976, MONDO:0100225.

Allele frequency attached by ClinVar (database versions not stated): gnomAD 0.00003; TOPMed 0.00003; gnomAD exomes 0.00007; ExAC 0.00008; ESP Exome Variant Server 0.00015.

Submissions (6):

CeGaT Center for Human Genetics Tuebingen
Classification: Uncertain significance. Last evaluated: 2026-02-01. Review status: criteria provided, single submitter. Criteria: CeGaT Center For Human Genetics Tuebingen Variant Classification Criteria Version 2. Collection method: clinical testing. Allele origin: germline. Affected: yes. Observed: 2 variant alleles.

Labcorp Genetics (formerly Invitae), Labcorp
Classification: Uncertain significance for Bethlem myopathy 1A. Last evaluated: 2025-12-21. Review status: criteria provided, single submitter. Criteria: Invitae Variant Classification Sherloc (09022015). Collection method: clinical testing. Allele origin: germline.
Comment: This sequence change replaces proline, which is neutral and non-polar, with leucine, which is neutral and non-polar, at codon 2075 of the COL6A3 protein (p.Pro2075Leu). This variant is present in population databases (rs113331139, gnomAD 0.01%). This missense change has been observed in individual(s) with Ulrich congenital muscular dystrophy (PMID: 24038877). ClinVar contains an entry for this variant (Variation ID: 661996). Invitae Evidence Modeling of protein sequence and biophysical properties (such as structural, functional, and spatial information, amino acid conservation, physicochemical variation, residue mobility, and thermodynamic stability) indicates that this missense variant is not expected to disrupt COL6A3 protein function with a negative predictive value of 80%. In summary, the available evidence is currently insufficient to determine the role of this variant in disease. Therefore, it has been classified as a Variant of Uncertain Significance.

Blueprint Genetics
Classification: Uncertain significance. Last evaluated: 2024-08-14. Review status: criteria provided, single submitter. Criteria: ACMG Guidelines, 2015. Collection method: clinical testing. Allele origin: germline.

Athena Diagnostics
Classification: Uncertain significance. Last evaluated: 2021-09-22. Review status: criteria provided, single submitter. Criteria: Athena Diagnostics Criteria. Collection method: clinical testing. Allele origin: unknown.

Revvity Omics, Revvity
Classification: Uncertain significance. Last evaluated: 2021-04-14. Review status: criteria provided, single submitter. Criteria: ACMG Guidelines, 2015. Collection method: clinical testing. Allele origin: germline.

Illumina Laboratory Services, Illumina
Classification: Benign for Collagen VI-related myopathy. Last evaluated: 2017-04-27. Review status: criteria provided, single submitter. Criteria: ICSL Variant Classification Criteria 13 December 2019. Collection method: clinical testing. Allele origin: germline.
Comment: This variant was observed as part of a predisposition screen in an ostensibly healthy population. A literature search was performed for the gene, cDNA change, and amino acid change (where applicable). Publications were found based on this search. The evidence from the literature, in combination with allele frequency data from public databases where available, was sufficient to rule this variant out of causing disease. Therefore, this variant is classified as benign.

Literature cited by the submitters: PubMed 24038877 (cited by 3 submitters).

NM_004369.4(COL6A3):c.6224C>T (p.Pro2075Leu)

Gene: COL6A3 (collagen type VI alpha 3 chain; minus strand). Cytogenetic location: 2q37.3.
Variant type: single nucleotide variant.
Coding change: c.6224C>T on transcript NM_004369.4 (MANE Select); coding-DNA position 6224, C replaced by T.
Protein change: p.Pro2075Leu; replaces proline 2075 with leucine.
Molecular consequence: missense variant.
Genome position (GRCh38, 1-based): chr2:237,360,146, G>A on the plus strand (C>T on the coding strand, the complement: COL6A3 is on the minus strand). VCF-style: chr2-237360146-G-A. GRCh37 (hg19) VCF-style: chr2-238268789-G-A.
Other names: c.4403C>T, p.Pro1468Leu (NM_057166.5); c.5606C>T, p.Pro1869Leu (NM_057167.4); short protein forms P2075L, P1468L, P1869L.
Identifiers: ClinVar variation 661996 (VCV000661996.24), dbSNP rs113331139, ClinGen allele CA2188397.
Genomic context (GRCh38, chr2:237,360,146, plus strand): 5'-ACCTTTACTCCTCTCTGGCCCGGGCAGCCCTGGAAACCTTGAGTGCCGTTCACACCAGGC[G>A]GACCACGCTCACCCTGTTGTGAGAGACAAAGGCATTTTGCAAGCTGGAGCCCTTCATCAC-3'
Protein context (NP_004360.2, residues 2065-2085): GDEGGPGERG[Pro2075Leu]PGVNGTQGFQ